The following is an entry in ClinVar:

NM_002907.4(RECQL):c.1835A>G (p.Asp612Gly)

Genes: PYROXD1 (pyridine nucleotide-disulphide oxidoreductase domain 1; plus strand), RECQL (RecQ like helicase; minus strand). Cytogenetic location: 12p12.1.
Variant type: single nucleotide variant.
Coding change: c.1835A>G on transcript NM_002907.4 (MANE Select); coding-DNA position 1835, A replaced by G.
Protein change: p.Asp612Gly; replaces aspartic acid 612 with glycine.
Molecular consequence: missense variant. On other transcripts: 3 prime UTR variant (3).
Genome position (GRCh38, 1-based): chr12:21,470,309, T>C on the plus strand (A>G on the coding strand, the complement: RECQL is on the minus strand). VCF-style: chr12-21470309-T-C. GRCh37 (hg19) VCF-style: chr12-21623243-T-C.
Other names: c.1835A>G, p.Asp612Gly (NM_032941.3); c.*1555T>C (NM_001350912.2, NM_001350913.2, NM_024854.5); short protein forms D612G.
Identifiers: ClinVar variation 1781025 (VCV001781025.3), dbSNP rs1942908010, ClinGen allele CA384113934.

ClinVar aggregate classification (germline): Uncertain significance (1 of 4 stars; one submission).

Submission:

Ambry Genetics
Classification: Uncertain significance. Last evaluated: 2025-02-15. Review status: criteria provided, single submitter. Criteria: Ambry Variant Classification Scheme 2023. Collection method: clinical testing. Allele origin: germline.
Comment: The p.D612G variant (also known as c.1835A>G), located in coding exon 14 of the RECQL gene, results from an A to G substitution at nucleotide position 1835. The aspartic acid at codon 612 is replaced by glycine, an amino acid with similar properties. This amino acid position is conserved. In addition, this alteration is predicted to be tolerated by in silico analysis. Since supporting evidence is limited at this time, the clinical significance of this alteration remains unclear.